The following is an entry in ClinVar:

NM_201525.4(ADGRG1):c.*1220C>A

Gene: ADGRG1 (adhesion G protein-coupled receptor G1; plus strand). Cytogenetic location: 16q21.
Variant type: single nucleotide variant.
Coding change: c.*1220C>A on transcript NM_201525.4 (MANE Select); 1220 bases downstream of the stop codon, C replaced by A.
Molecular consequence: 3 prime UTR variant.
Genome position (GRCh38, 1-based): chr16:57,664,802, C>A. VCF-style: chr16-57664802-C-A. GRCh37 (hg19) VCF-style: chr16-57698714-C-A.
Other names: c.*1220C>A (NM_001145770.3, NM_001145771.3, NM_001145772.3 and 25 more transcripts).
Identifiers: ClinVar variation 885976 (VCV000885976.5), dbSNP rs80206511, ClinGen allele CA281584723.

ClinVar aggregate classification (germline): Benign. Review status: criteria provided, multiple submitters, no conflicts (2 of 4 stars). 2 submissions from 2 submitters: Benign (2). Last evaluated 2018-01-13.

Conditions:
Bilateral frontoparietal polymicrogyria. Also called: CEREBELLAR ATAXIA WITH NEURONAL MIGRATION DEFECT; CORTICAL DYSPLASIA, COMPLEX, WITH OTHER BRAIN MALFORMATIONS 14A (BILATERAL FRONTOPARIETAL). Identifiers: Orphanet 101070, MedGen C1847352, MONDO:0011738, OMIM 606854.

Allele frequency attached by ClinVar (database versions not stated): TOPMed 0.03886; gnomAD 0.03975 and 0.04033; 1000 Genomes Project 0.04054; 1000 Genomes Project 30x 0.04091; gnomAD exomes 0.05319.
gnomAD v4.1: 6,224 of 153,732 alleles (4%); highest among the groups gnomAD compares: South Asian, 6%; 146 homozygotes.

Submissions (2):

Illumina Laboratory Services, Illumina
Classification: Benign for Bilateral frontoparietal polymicrogyria. Last evaluated: 2018-01-13. Review status: criteria provided, single submitter. Criteria: ICSL Variant Classification Criteria 13 December 2019. Collection method: clinical testing. Allele origin: germline.
Comment: This variant was observed in the ICSL laboratory as part of a predisposition screen in an ostensibly healthy population. It had not been previously curated by ICSL or reported in the Human Gene Mutation Database (HGMD: prior to June 1st, 2018), and was therefore a candidate for classification through an automated scoring system. Utilizing variant allele frequency, disease prevalence and penetrance estimates, and inheritance mode, an automated score was calculated to assess if this variant is too frequent to cause the disease. Based on the score and internal cut-off values, a variant classified as benign is not then subjected to further curation. The score for this variant resulted in a classification of benign for this disease.

Breakthrough Genomics
Classification: Benign. Review status: criteria provided, single submitter. Criteria: ACMG Guidelines, 2015. Collection method: not provided. Allele origin: germline. Inheritance: Autosomal recessive inheritance. Affected: yes.